The following is an entry in ClinVar:

NM_004183.4(BEST1):c.1087A>C (p.Thr363Pro)

Gene: BEST1 (bestrophin 1; plus strand). Cytogenetic location: 11q12.3.
Variant type: single nucleotide variant.
Coding change: c.1087A>C on transcript NM_004183.4 (MANE Select); coding-DNA position 1087, A replaced by C.
Protein change: p.Thr363Pro; replaces threonine 363 with proline.
Molecular consequence: missense variant. On other transcripts: synonymous variant (1), non-coding transcript variant (1).
Genome position (GRCh38, 1-based): chr11:61,960,030, A>C. VCF-style: chr11-61960030-A-C. GRCh37 (hg19) VCF-style: chr11-61727502-A-C.
Other names: c.907A>C, p.Thr303Pro (NM_001139443.3, NM_001300787.2); c.826A>C, p.Thr276Pro (NM_001300786.2); c.769A>C, p.Thr257Pro (NM_001363591.3); c.1290A>C, p.Pro430= (NM_001363592.2); c.115A>C, p.Thr39Pro (NM_001363593.3); short protein forms T276P, T363P, T257P, T303P, T39P.
Identifiers: ClinVar variation 843874 (VCV000843874.11), dbSNP rs147228028, ClinGen allele CA6040982.

ClinVar aggregate classification (germline): Conflicting classifications of pathogenicity. Review status: criteria provided, conflicting classifications (1 of 4 stars). 4 submissions from 4 submitters: Pathogenic (1); Uncertain significance (1). 2 of the submissions do not count toward it. Last evaluated 2026-01-21.

Conditions:
BEST1-related disorder. Also called: BEST1-related disorders; BEST1-related condition. Identifiers: MedGen CN239200.
Retinal dystrophy. Also called: Inherited retinal dystrophy. Identifiers: Orphanet 71862, MedGen C0854723, MeSH D058499, MONDO:0019118, HP:0000556.

Allele frequency attached by ClinVar (database versions not stated): 1000 Genomes Project 0.00020; 1000 Genomes Project 30x 0.00031; gnomAD 0.00041 and 0.00045; TOPMed 0.00043; ESP Exome Variant Server 0.00054.

Submissions (4):

Labcorp Genetics (formerly Invitae), Labcorp
Classification: Uncertain significance. Last evaluated: 2026-01-21. Review status: criteria provided, single submitter. Criteria: Invitae Variant Classification Sherloc (09022015). Collection method: clinical testing. Allele origin: germline.
Comment: This sequence change replaces threonine, which is neutral and polar, with proline, which is neutral and non-polar, at codon 363 of the BEST1 protein (p.Thr363Pro). This variant is present in population databases (rs147228028, gnomAD 0.2%). This variant has not been reported in the literature in individuals affected with BEST1-related conditions. ClinVar contains an entry for this variant (Variation ID: 843874). Invitae Evidence Modeling of protein sequence and biophysical properties (such as structural, functional, and spatial information, amino acid conservation, physicochemical variation, residue mobility, and thermodynamic stability) indicates that this missense variant is expected to disrupt BEST1 protein function with a positive predictive value of 95%. In summary, the available evidence is currently insufficient to determine the role of this variant in disease. Therefore, it has been classified as a Variant of Uncertain Significance.

Blueprint Genetics
Classification: Pathogenic for BEST1-related disorders. Last evaluated: 2023-11-27. Review status: criteria provided, single submitter. Criteria: ACMG Guidelines, 2015. Collection method: clinical testing. Allele origin: germline. Affected: yes. Observed: 5 variant alleles.

PreventionGenetics, part of Exact Sciences
Classification: Likely benign for BEST1-related condition. Last evaluated: 2024-08-05. Review status: no assertion criteria provided. Collection method: clinical testing. Allele origin: germline. Not counted in ClinVar's aggregate classification.
Comment: This variant is classified as likely benign based on ACMG/AMP sequence variant interpretation guidelines (Richards et al. 2015 PMID: 25741868, with internal and published modifications).

Institute of Human Genetics, Univ. Regensburg, Univ. Regensburg
Classification: Likely pathogenic for Retinal dystrophy. Last evaluated: 2009-01-01. Review status: no assertion criteria provided. Criteria: ACMG Guidelines, 2015. Collection method: clinical testing. Allele origin: germline. Affected: yes. Not counted in ClinVar's aggregate classification.